The following is an entry in ClinVar:

ClinVar aggregate classification (germline): Benign/Likely benign. Review status: criteria provided, multiple submitters, no conflicts (2 of 4 stars). 4 submissions from 4 submitters: Benign (1); Likely benign (2). 1 of the submissions does not count toward it. Last evaluated 2026-01-27.

Conditions:
Familial hypokalemia-hypomagnesemia (GTLMNS). Also called: HYPOMAGNESEMIA-HYPOKALEMIA, PRIMARY RENOTUBULAR, WITH HYPOCALCIURIA; POTASSIUM AND MAGNESIUM DEPLETION; gitelman syndrome. Identifiers: Orphanet 358, MedGen C0268450, MONDO:0009904, OMIM 263800.

Allele frequency attached by ClinVar (database versions not stated): gnomAD exomes 0.00008 and 0.00025; ExAC 0.00028; 1000 Genomes Project 0.00040; 1000 Genomes Project 30x 0.00047; gnomAD 0.00091 and 0.00098; ESP Exome Variant Server 0.00100; TOPMed 0.00100.
gnomAD v4.1: 264 of 1,614,260 alleles (0.016%); highest among the groups gnomAD compares: African/African-American, 0.3%; no homozygotes.

Submissions (4):

Labcorp Genetics (formerly Invitae), Labcorp
Classification: Benign. Last evaluated: 2026-01-27. Review status: criteria provided, single submitter. Criteria: Invitae Variant Classification Sherloc (09022015). Collection method: clinical testing. Allele origin: germline.

Mayo Clinic Laboratories, Mayo Clinic
Classification: Likely benign. Last evaluated: 2025-04-21. Review status: criteria provided, single submitter. Criteria: ACMG Guidelines, 2015. Collection method: clinical testing. Allele origin: germline. Observed: 1 variant allele.
Comment: BS1, BP4, BP7

Blueprint Genetics
Classification: Likely benign. Last evaluated: 2024-11-21. Review status: criteria provided, single submitter. Criteria: ACMG Guidelines, 2015. Collection method: clinical testing. Allele origin: germline.

Natera, Inc.
Classification: Uncertain significance for Gitelman syndrome. Last evaluated: 2020-01-17. Review status: no assertion criteria provided. Collection method: clinical testing. Allele origin: germline. Not counted in ClinVar's aggregate classification.

NM_001126108.2(SLC12A3):c.1002G>A (p.Arg334=)

Gene: SLC12A3 (solute carrier family 12 member 3; plus strand). Cytogenetic location: 16q13.
Variant type: single nucleotide variant.
Coding change: c.1002G>A on transcript NM_001126108.2 (MANE Select); coding-DNA position 1002, G replaced by A.
Protein change: p.Arg334=; no amino-acid change (arginine 334 retained).
Molecular consequence: synonymous variant.
Genome position (GRCh38, 1-based): chr16:56,872,693, G>A. VCF-style: chr16-56872693-G-A. GRCh37 (hg19) VCF-style: chr16-56906605-G-A.
Other names: p.Arg334=; c.1002G>A, p.Arg334= (NM_000339.3); c.999G>A, p.Arg333= (NM_001126107.2).
Identifiers: ClinVar variation 726921 (VCV000726921.14), dbSNP rs146318329, ClinGen allele CA8069297.